The following is an entry in ClinVar:

ClinVar aggregate classification (germline): Likely pathogenic (1 of 4 stars; one submission).

Conditions:
Methylcobalamin deficiency type cblG (HMAG). Also called: HOMOCYSTINURIA-MEGALOBLASTIC ANEMIA DUE TO DEFECT IN COBALAMIN METABOLISM, cblG COMPLEMENTATION TYPE; Functional methionine synthase deficiency type cblG; HOMOCYSTINURIA-MEGALOBLASTIC ANEMIA, cblG COMPLEMENTATION TYPE; HOMOCYSTINURIA-MEGALOBLASTIC ANEMIA, cblG TYPE. Identifiers: Orphanet 2170, Orphanet 622, MedGen C1855128, MONDO:0009609, OMIM 250940.

Submissions (2):

Labcorp Genetics (formerly Invitae), Labcorp
Classification: Likely pathogenic for Methylcobalamin deficiency type cblG. Last evaluated: 2019-01-16. Review status: criteria provided, single submitter. Criteria: Invitae Variant Classification Sherloc (09022015). Collection method: clinical testing. Allele origin: germline.
Comment: Algorithms developed to predict the effect of sequence changes on RNA splicing suggest that this variant may disrupt the consensus splice site, but this prediction has not been confirmed by published transcriptional studies. This sequence change affects an acceptor splice site in intron 21 of the MTR gene. It is expected to disrupt RNA splicing and likely results in an absent or disrupted protein product. This variant is not present in population databases (ExAC no frequency). This variant has not been reported in the literature in individuals with MTR-related conditions. Donor and acceptor splice site variants typically lead to a loss of protein function (PMID: 16199547), and loss-of-function variants in MTR are known to be pathogenic (PMID: 9683607, 12068375). In summary, the currently available evidence indicates that the variant is pathogenic, but additional data are needed to prove that conclusively. Therefore, this variant has been classified as Likely Pathogenic.

Dr. Peter K. Rogan Lab, Western University
No classification provided (evidence only). Condition: Melanoma. Review status: no classification provided. Collection method: in vitro. Allele origin: not applicable. Functional consequence: retained intron. Not counted in ClinVar's aggregate classification.

Literature cited by the submitters: PubMed 16199547 (cited by Labcorp Genetics (formerly Invitae), Labcorp); PubMed 9683607 (cited by Labcorp Genetics (formerly Invitae), Labcorp); PubMed 12068375 (cited by Labcorp Genetics (formerly Invitae), Labcorp).

NM_000254.3(MTR):c.2305-1G>T

Gene: MTR (5-methyltetrahydrofolate-homocysteine methyltransferase; plus strand). Cytogenetic location: 1q43.
Variant type: single nucleotide variant.
Coding change: c.2305-1G>T on transcript NM_000254.3 (MANE Select); the canonical splice acceptor site of the intron before coding-DNA position 2305, G replaced by T.
Molecular consequence: splice acceptor variant.
Genome position (GRCh38, 1-based): chr1:236,863,453, G>T. VCF-style: chr1-236863453-G-T. GRCh37 (hg19) VCF-style: chr1-237026753-G-T.
Other names: c.2152-1G>T (NM_001291939.1); c.2305-1G>T (NM_001410942.1); c.1084-1G>T (NM_001291940.2).
Identifiers: ClinVar variation 854532 (VCV000854532.9), dbSNP rs1664661222, ClinGen allele CA345378209.